The following is an entry in ClinVar:

ClinVar aggregate classification (germline): Uncertain significance. Review status: criteria provided, multiple submitters, no conflicts (2 of 4 stars). 3 submissions from 3 submitters: Uncertain significance (3). Last evaluated 2024-05-01.

Conditions:
Familial cancer of breast. Also called: hereditary breast carcinoma; Hereditary breast cancer; BREAST CANCER, FAMILIAL. Identifiers: Orphanet 227535, MedGen C0346153, MONDO:0016419, OMIM 114480. Disease mechanism: loss of function.
Fanconi anemia complementation group J. Also called: BRIP1-Related Fanconi Anemia. Identifiers: Orphanet 84, MedGen C1836860, MONDO:0012187, OMIM 609054.
Hereditary cancer-predisposing syndrome. Also called: Neoplastic Syndromes, Hereditary; Hereditary neoplastic syndrome; Hereditary Cancer Syndrome; Tumor predisposition. Identifiers: Orphanet 140162, MedGen C0027672, MeSH D009386, MONDO:0015356.

Allele frequency attached by ClinVar (database versions not stated): gnomAD exomes below 0.00001.
gnomAD v4.1: 1 of 1,613,660 alleles (0.000062%); highest among the groups gnomAD compares: Non-Finnish European, 0.000085%; no homozygotes.

Submissions (3):

Women's Health and Genetics/Laboratory Corporation of America, LabCorp
Classification: Uncertain significance. Last evaluated: 2024-05-01. Review status: criteria provided, single submitter. Criteria: LabCorp Variant Classification Summary - May 2015. Collection method: clinical testing. Allele origin: germline.

Ambry Genetics
Classification: Uncertain significance for Hereditary cancer-predisposing syndrome. Last evaluated: 2022-06-04. Review status: criteria provided, single submitter. Criteria: Ambry Variant Classification Scheme 2023. Collection method: clinical testing. Allele origin: germline.
Comment: The p.A977T variant (also known as c.2929G>A), located in coding exon 19 of the BRIP1 gene, results from a G to A substitution at nucleotide position 2929. The alanine at codon 977 is replaced by threonine, an amino acid with similar properties. This amino acid position is conserved. In addition, this alteration is predicted to be tolerated by in silico analysis. Since supporting evidence is limited at this time, the clinical significance of this alteration remains unclear.

Labcorp Genetics (formerly Invitae), Labcorp
Classification: Uncertain significance for Familial cancer of breast; Fanconi anemia complementation group J. Last evaluated: 2021-11-02. Review status: criteria provided, single submitter. Criteria: Invitae Variant Classification Sherloc (09022015). Collection method: clinical testing. Allele origin: germline.
Comment: This sequence change replaces alanine, which is neutral and non-polar, with threonine, which is neutral and polar, at codon 977 of the BRIP1 protein (p.Ala977Thr). This variant is not present in population databases (gnomAD no frequency). This variant has not been reported in the literature in individuals affected with BRIP1-related conditions. ClinVar contains an entry for this variant (Variation ID: 998687). Algorithms developed to predict the effect of missense changes on protein structure and function output the following: SIFT: "Tolerated"; PolyPhen-2: "Benign"; Align-GVGD: "Class C0". The threonine amino acid residue is found in multiple mammalian species, which suggests that this missense change does not adversely affect protein function. In summary, the available evidence is currently insufficient to determine the role of this variant in disease. Therefore, it has been classified as a Variant of Uncertain Significance.

NM_032043.3(BRIP1):c.2929G>A (p.Ala977Thr)

Gene: BRIP1 (BRCA1 interacting DNA helicase 1; minus strand). Cytogenetic location: 17q23.2.
Variant type: single nucleotide variant.
Coding change: c.2929G>A on transcript NM_032043.3 (MANE Select); coding-DNA position 2929, G replaced by A.
Protein change: p.Ala977Thr; replaces alanine 977 with threonine.
Molecular consequence: missense variant.
Genome position (GRCh38, 1-based): chr17:61,684,117, C>T on the plus strand (G>A on the coding strand, the complement: BRIP1 is on the minus strand). VCF-style: chr17-61684117-C-T. GRCh37 (hg19) VCF-style: chr17-59761478-C-T.
Other names: short protein forms A977T.
Identifiers: ClinVar variation 998687 (VCV000998687.8), dbSNP rs864622628, ClinGen allele CA400480722.
Genomic context (GRCh38, chr17:61,684,117, plus strand): 5'-TTTGTTTGTTGAAAGTTGGGCTTGTGGATCTGGAAATCACAATTTTTTCTGCTTTCCCTG[C>T]TTCTTCCAGGAATACTGGATCATCTAAGAATACAAGAATTTAAGAGATTTAACTTTCTGC-3'
Protein context (NP_114432.2, residues 967-987): EKNDPVFLEE[Ala977Thr]GKAEKIVISR